The following is an entry in ClinVar:

ClinVar aggregate classification (germline): Likely benign. Review status: criteria provided, multiple submitters, no conflicts (2 of 4 stars). 3 submissions from 3 submitters: Likely benign (3). Last evaluated 2025-01-05.

Conditions:
Hereditary diffuse gastric adenocarcinoma (HDGC). Also called: DIFFUSE GASTRIC AND LOBULAR BREAST CANCER SYNDROME. Identifiers: Orphanet 26106, MedGen C1708349, MONDO:0007648, OMIM 137215.

Submissions (3):

Women's Health and Genetics/Laboratory Corporation of America, LabCorp
Classification: Likely benign. Last evaluated: 2025-01-05. Review status: criteria provided, single submitter. Criteria: LabCorp Variant Classification Summary - May 2015. Collection method: clinical testing. Allele origin: germline.

Myriad Genetics, Inc.
Classification: Likely benign for Hereditary diffuse gastric adenocarcinoma. Last evaluated: 2024-09-23. Review status: criteria provided, single submitter. Criteria: Myriad Autosomal Dominant, Autosomal Recessive and X-Linked Classification Criteria (2023). Collection method: clinical testing. Allele origin: unknown.
Comment: This variant is considered likely benign. This variant is intronic and is not expected to impact mRNA splicing.

Labcorp Genetics (formerly Invitae), Labcorp
Classification: Likely benign for Hereditary diffuse gastric adenocarcinoma. Last evaluated: 2020-08-20. Review status: criteria provided, single submitter. Criteria: Invitae Variant Classification Sherloc (09022015). Collection method: clinical testing. Allele origin: germline.

NM_004360.5(CDH1):c.2439+9T>G

Gene: CDH1 (cadherin 1; plus strand). Cytogenetic location: 16q22.1.
Variant type: single nucleotide variant.
Coding change: c.2439+9T>G on transcript NM_004360.5 (MANE Select); 9 bases into the intron after coding-DNA position 2439, T replaced by G.
Molecular consequence: intron variant.
Genome position (GRCh38, 1-based): chr16:68,829,806, T>G. VCF-style: chr16-68829806-T-G. GRCh37 (hg19) VCF-style: chr16-68863709-T-G.
Other names: c.891+9T>G (NM_001317185.2); c.474+9T>G (NM_001317186.2); c.2256+9T>G (NM_001317184.2).
Identifiers: ClinVar variation 1150637 (VCV001150637.12), dbSNP rs1555517919, ClinGen allele CA2499223677.
Genomic context (GRCh38, chr16:68,829,806, plus strand): 5'-GTATCTTCCCCGCCCTGCCAATCCCGATGAAATTGGAAATTTTATTGATGAAGTAAGTAA[T>G]CCACGTGGAAAGCCAAAGCATGGCTCATCTCTAAGCTCAGGAGGAGTTGTGTCAAAAATG-3'